The following is an entry in ClinVar:

ClinVar aggregate classification (germline): Uncertain significance (1 of 4 stars; one submission).

Conditions:
Hereditary cancer-predisposing syndrome. Also called: Hereditary neoplastic syndrome; Tumor predisposition; Hereditary Cancer Syndrome; Neoplastic Syndromes, Hereditary. Identifiers: Orphanet 140162, MedGen C0027672, MeSH D009386, MONDO:0015356.

Submission:

Ambry Genetics
Classification: Uncertain significance for Hereditary cancer-predisposing syndrome. Last evaluated: 2023-06-20. Review status: criteria provided, single submitter. Criteria: Ambry Variant Classification Scheme 2023. Collection method: clinical testing. Allele origin: germline.
Comment: The p.E2847A variant (also known as c.8540A>C), located in coding exon 19 of the BRCA2 gene, results from an A to C substitution at nucleotide position 8540. The glutamic acid at codon 2847 is replaced by alanine, an amino acid with dissimilar properties. This amino acid position is conserved. In addition, this alteration is predicted to be deleterious by in silico analysis. Since supporting evidence is limited at this time, the clinical significance of this alteration remains unclear.

NM_000059.4(BRCA2):c.8540A>C (p.Glu2847Ala)

Gene: BRCA2 (BRCA2 DNA repair associated; plus strand). Cytogenetic location: 13q13.1.
Variant type: single nucleotide variant.
Coding change: c.8540A>C on transcript NM_000059.4 (MANE Select); coding-DNA position 8540, A replaced by C.
Protein change: p.Glu2847Ala; replaces glutamic acid 2847 with alanine.
Molecular consequence: missense variant. On other transcripts: non-coding transcript variant (1).
Genome position (GRCh38, 1-based): chr13:32,371,008, A>C. VCF-style: chr13-32371008-A-C. GRCh37 (hg19) VCF-style: chr13-32945145-A-C.
Other names: c.8444A>C, p.Glu2815Ala (NM_001406719.1); c.8540A>C, p.Glu2847Ala (NM_001406720.1); c.3608A>C, p.Glu1203Ala (NM_001406721.1); c.2123A>C, p.Glu708Ala (NM_001406722.1); short protein forms E1203A, E708A, E2847A, E2815A.
Identifiers: ClinVar variation 2586269 (VCV002586269.2), dbSNP rs2548550716, ClinGen allele CA387752756.
Genomic context (GRCh38, chr13:32,371,008, plus strand): 5'-TATTACAGTGGATGGAGAAGACATCATCTGGATTATACATATTTCGCAATGAAAGAGAGG[A>C]AGAAAAGGAAGCAGCAAAATATGTGGAGGCCCAACAAAAGAGACTAGAAGCCTTATTCAC-3'
Protein context (NP_000050.3, residues 2837-2857): GLYIFRNERE[Glu2847Ala]EKEAAKYVEA